The following is an entry in ClinVar:

NM_000059.4(BRCA2):c.4054G>A (p.Asp1352Asn)

Gene: BRCA2 (BRCA2 DNA repair associated; plus strand). Cytogenetic location: 13q13.1.
Variant type: single nucleotide variant.
Coding change: c.4054G>A on transcript NM_000059.4 (MANE Select); coding-DNA position 4054, G replaced by A.
Protein change: p.Asp1352Asn; replaces aspartic acid 1352 with asparagine.
Molecular consequence: missense variant.
Genome position (GRCh38, 1-based): chr13:32,338,409, G>A. VCF-style: chr13-32338409-G-A. GRCh37 (hg19) VCF-style: chr13-32912546-G-A.
Other names: short protein forms D1352N.
Identifiers: ClinVar variation 1009654 (VCV001009654.10), dbSNP rs80358655, ClinGen allele CA387779116.

ClinVar aggregate classification (germline): Conflicting classifications of pathogenicity. Review status: criteria provided, conflicting classifications (1 of 4 stars). 2 submissions from 2 submitters: Uncertain significance (1); Likely benign (1). Last evaluated 2023-03-23.

Conditions:
Hereditary breast ovarian cancer syndrome. Also called: BRCA1- and BRCA2-Associated Hereditary Breast and Ovarian Cancer; Hereditary breast and ovarian cancer; Hereditary breast and ovarian cancer syndrome; Breast and ovarian cancer; Hereditary breast and/or ovarian cancer syndrome; Hereditary breast and ovarian cancer syndrome (HBOC). Identifiers: Orphanet 145, MedGen C0677776, MeSH D061325, MONDO:0003582. Disease mechanism: loss of function.
Hereditary cancer-predisposing syndrome. Also called: Tumor predisposition; Hereditary neoplastic syndrome; Neoplastic Syndromes, Hereditary; Hereditary Cancer Syndrome. Identifiers: Orphanet 140162, MedGen C0027672, MeSH D009386, MONDO:0015356.

Submissions (2):

University of Washington Department of Laboratory Medicine, University of Washington
Classification: Likely benign for Hereditary cancer-predisposing syndrome. Last evaluated: 2023-03-23. Review status: criteria provided, single submitter. Criteria: Dines et al. (Genet Med. 2020). Collection method: curation. Allele origin: germline.
Comment: Missense variant in a coldspot region where missense variants are very unlikely to be pathogenic (PMID:31911673).

BRCA2 exon 11 coldspot. Reclassification based on statistical prior probability.

Labcorp Genetics (formerly Invitae), Labcorp
Classification: Uncertain significance for Hereditary breast ovarian cancer syndrome. Last evaluated: 2020-06-26. Review status: criteria provided, single submitter. Criteria: Invitae Variant Classification Sherloc (09022015). Collection method: clinical testing. Allele origin: germline.
Comment: In summary, the available evidence is currently insufficient to determine the role of this variant in disease. Therefore, it has been classified as a Variant of Uncertain Significance. Algorithms developed to predict the effect of missense changes on protein structure and function output the following: SIFT: "Tolerated"; PolyPhen-2: "Benign"; Align-GVGD: "Class C0". The asparagine amino acid residue is found in multiple mammalian species, suggesting that this missense change does not adversely affect protein function. These predictions have not been confirmed by published functional studies and their clinical significance is uncertain. This variant has been reported in individuals in the Leiden Open-source Variation Database (PMID: 21520333). This variant is not present in population databases (ExAC no frequency). This sequence change replaces aspartic acid with asparagine at codon 1352 of the BRCA2 protein (p.Asp1352Asn). The aspartic acid residue is weakly conserved and there is a small physicochemical difference between aspartic acid and asparagine.

Literature cited by the submitters: PubMed 21520333 (cited by Labcorp Genetics (formerly Invitae), Labcorp).